The following is an entry in ClinVar:

ClinVar aggregate classification (germline): Uncertain significance. Review status: criteria provided, multiple submitters, no conflicts (2 of 4 stars). 3 submissions from 3 submitters: Uncertain significance (3). Last evaluated 2025-08-20.

Conditions:
Colorectal cancer. Also called: Colorectal cancer, somatic; Malignant Colorectal Neoplasm. Identifiers: MedGen C0346629, MONDO:0005575, OMIM 114500.
Hereditary cancer-predisposing syndrome. Also called: Hereditary Cancer Syndrome; Hereditary neoplastic syndrome; Neoplastic Syndromes, Hereditary; Tumor predisposition. Identifiers: Orphanet 140162, MedGen C0027672, MeSH D009386, MONDO:0015356.
Oligodontia-cancer predisposition syndrome. Also called: TOOTH AGENESIS-COLORECTAL CANCER SYNDROME. Identifiers: Orphanet 300576, MedGen C1837750, MONDO:0012075, OMIM 608615. Disease mechanism: loss of function.

Allele frequency attached by ClinVar (database versions not stated): gnomAD exomes below 0.00001 and 0.00001; TOPMed below 0.00001; ExAC 0.00003.
gnomAD v4.1: 1 of 1,612,826 alleles (0.000062%); highest among the groups gnomAD compares: Admixed American, 0.0017%; no homozygotes.

Submissions (3):

Labcorp Genetics (formerly Invitae), Labcorp
Classification: Uncertain significance for Oligodontia-cancer predisposition syndrome. Last evaluated: 2025-08-20. Review status: criteria provided, single submitter. Criteria: Invitae Variant Classification Sherloc (09022015). Collection method: clinical testing. Allele origin: germline.
Comment: This sequence change replaces leucine, which is neutral and non-polar, with proline, which is neutral and non-polar, at codon 499 of the AXIN2 protein (p.Leu499Pro). This variant is present in population databases (rs781185996, gnomAD 0.003%). This variant has not been reported in the literature in individuals affected with AXIN2-related conditions. ClinVar contains an entry for this variant (Variation ID: 408836). An algorithm developed to predict the effect of missense changes on protein structure and function (PolyPhen-2) suggests that this variant is likely to be tolerated. In summary, the available evidence is currently insufficient to determine the role of this variant in disease. Therefore, it has been classified as a Variant of Uncertain Significance.

Ambry Genetics
Classification: Uncertain significance for Hereditary cancer-predisposing syndrome. Last evaluated: 2024-10-31. Review status: criteria provided, single submitter. Criteria: Ambry Variant Classification Scheme 2023. Collection method: clinical testing. Allele origin: germline.
Comment: The p.L499P variant (also known as c.1496T>C), located in coding exon 5 of the AXIN2 gene, results from a T to C substitution at nucleotide position 1496. The leucine at codon 499 is replaced by proline, an amino acid with similar properties. This amino acid position is conserved. In addition, the in silico prediction for this alteration is inconclusive. Since supporting evidence is limited at this time, the clinical significance of this alteration remains unclear.

Baylor Genetics
Classification: Uncertain significance for Colorectal cancer. Last evaluated: 2023-07-21. Review status: criteria provided, single submitter. Criteria: ACMG Guidelines, 2015. Collection method: clinical testing. Allele origin: unknown.

NM_004655.4(AXIN2):c.1496T>C (p.Leu499Pro)

Gene: AXIN2 (axin 2; minus strand). Cytogenetic location: 17q24.1.
Variant type: single nucleotide variant.
Coding change: c.1496T>C on transcript NM_004655.4 (MANE Select); coding-DNA position 1496, T replaced by C.
Protein change: p.Leu499Pro; replaces leucine 499 with proline.
Molecular consequence: missense variant.
Genome position (GRCh38, 1-based): chr17:65,537,540, A>G on the plus strand (T>C on the coding strand, the complement: AXIN2 is on the minus strand). VCF-style: chr17-65537540-A-G. GRCh37 (hg19) VCF-style: chr17-63533658-A-G.
Other names: c.1496T>C (LRG_296t1); c.1496T>C, p.Leu499Pro (NM_001363813.1); short protein forms L499P.
Identifiers: ClinVar variation 408836 (VCV000408836.13), dbSNP rs781185996, ClinGen allele CA8718630.
Genomic context (GRCh38, chr17:65,537,540, plus strand): 5'-ATGTAGTGGTGGTGGACATGCTTCGTCGTCTGCTTGGTCACAAAGCCTTTGCCCCCGAGG[A>G]GGGGGCAGGCGCCCGGCGAGGCGGCCGCGGGAGGCAGCTTGCCACCGGGCGGGAGCAGGG-3'
Protein context (NP_004646.3, residues 489-509): PAAASPGACP[Leu499Pro]LGGKGFVTKQ